The following is an entry in ClinVar:

ClinVar aggregate classification (germline): Uncertain significance. Review status: criteria provided, multiple submitters, no conflicts (2 of 4 stars). 2 submissions from 2 submitters: Uncertain significance (2). Last evaluated 2024-02-05.

Conditions:
Inborn genetic diseases. Identifiers: MedGen C0950123, MeSH D030342.

Allele frequency attached by ClinVar (database versions not stated): gnomAD exomes below 0.00001; gnomAD 0.00001; TOPMed 0.00002.
gnomAD v4.1: 4 of 1,612,538 alleles (0.00025%); highest among the groups gnomAD compares: African/African-American, 0.0053%; no homozygotes.

Submissions (2):

Ambry Genetics
Classification: Uncertain significance for Inborn genetic diseases. Last evaluated: 2024-02-05. Review status: criteria provided, single submitter. Criteria: Ambry Variant Classification Scheme 2023. Collection method: clinical testing. Allele origin: germline.

Labcorp Genetics (formerly Invitae), Labcorp
Classification: Uncertain significance. Last evaluated: 2022-06-08. Review status: criteria provided, single submitter. Criteria: Invitae Variant Classification Sherloc (09022015). Collection method: clinical testing. Allele origin: germline.
Comment: This sequence change replaces histidine, which is basic and polar, with tyrosine, which is neutral and polar, at codon 195 of the TTPA protein (p.His195Tyr). This variant is present in population databases (no rsID available, gnomAD 0.01%). This variant has not been reported in the literature in individuals affected with TTPA-related conditions. Algorithms developed to predict the effect of missense changes on protein structure and function (SIFT, PolyPhen-2, Align-GVGD) all suggest that this variant is likely to be disruptive. In summary, the available evidence is currently insufficient to determine the role of this variant in disease. Therefore, it has been classified as a Variant of Uncertain Significance.

NM_000370.3(TTPA):c.583C>T (p.His195Tyr)

Gene: TTPA (alpha tocopherol transfer protein; minus strand). Cytogenetic location: 8q12.3.
Variant type: single nucleotide variant.
Coding change: c.583C>T on transcript NM_000370.3 (MANE Select); coding-DNA position 583, C replaced by T.
Protein change: p.His195Tyr; replaces histidine 195 with tyrosine.
Molecular consequence: missense variant.
Genome position (GRCh38, 1-based): chr8:63,064,286, G>A on the plus strand (C>T on the coding strand, the complement: TTPA is on the minus strand). VCF-style: chr8-63064286-G-A. GRCh37 (hg19) VCF-style: chr8-63976845-G-A.
Other names: c.235C>T, p.His79Tyr (NM_001413414.1); c.583C>T, p.His195Tyr (NM_001413416.1); c.700C>T, p.His234Tyr (NM_001413418.1); short protein forms H79Y, H195Y, H234Y.
Identifiers: ClinVar variation 2168303 (VCV002168303.2), dbSNP rs909436846, ClinGen allele CA178384002.